The following is an entry in ClinVar:

ClinVar aggregate classification (germline): Conflicting classifications of pathogenicity. Review status: criteria provided, conflicting classifications (1 of 4 stars). 17 submissions from 17 submitters: Uncertain significance (12); Likely benign (2). 3 of the submissions do not count toward it. Last evaluated 2026-09-17.

Conditions:
BRCA2-related cancer predisposition. Identifiers: MedGen CN377758, MONDO:0700269.
BRCA2-related disorder. Also called: BRCA2-related condition; BRCA2-related disorders. Identifiers: MedGen CN239275.
Hereditary cancer-predisposing syndrome. Also called: Hereditary Cancer Syndrome; Neoplastic Syndromes, Hereditary; Hereditary neoplastic syndrome; Tumor predisposition. Identifiers: Orphanet 140162, MedGen C0027672, MeSH D009386, MONDO:0015356.
Hereditary breast ovarian cancer syndrome. Also called: Hereditary breast and ovarian cancer syndrome; Breast and ovarian cancer; BRCA1- and BRCA2-Associated Hereditary Breast and Ovarian Cancer; Hereditary breast and/or ovarian cancer syndrome; Hereditary breast and ovarian cancer; Hereditary breast and ovarian cancer syndrome (HBOC). Identifiers: Orphanet 145, MedGen C0677776, MeSH D061325, MONDO:0003582. Disease mechanism: loss of function.
Breast-ovarian cancer, familial, susceptibility to, 2 (BROVCA2). Also called: BRCA2 Hereditary Breast and Ovarian Cancer. Identifiers: Orphanet 145, MedGen C2675520, MONDO:0012933, OMIM 612555. Disease mechanism: loss of function.

Allele frequency attached by ClinVar (database versions not stated): ExAC 0.00001; gnomAD exomes 0.00001 and 0.00002; gnomAD 0.00002 and 0.00003; TOPMed 0.00008; 1000 Genomes Project 30x 0.00016; 1000 Genomes Project 0.00020.

Submissions 1 to 8 of 17:

PreventionGenetics, part of Exact Sciences
Classification: Uncertain significance for BRCA2-related condition. Last evaluated: 2026-09-17. Review status: criteria provided, single submitter. Criteria: ACMG Guidelines, 2015. Collection method: clinical testing. Allele origin: germline.
Comment: The BRCA2 c.5096A>G variant is predicted to result in the amino acid substitution p.Asp1699Gly. This variant has been observed and reported as a variant of uncertain significance in patients with breast cancer (Palmerao El et al. 2016. PubMed ID: 27223485; Fernades et al. 2016. PubMed ID: 27741520; Dutil et al. 2019. PubMed ID: 31780696). This variant is reported in 0.0070% of alleles in individuals of Latino descent in gnomAD, and has conflicting interpretations in ClinVar, ranging from uncertain significance to likely benign (Variation ID: 51765). At this time, the clinical significance of this variant is uncertain due to the absence of conclusive functional and genetic evidence.

Dasa
Classification: Uncertain significance for Breast-ovarian cancer, familial, susceptibility to, 2. Last evaluated: 2026-04-14. Review status: criteria provided, single submitter. Criteria: DASA Assertion Criteria. Collection method: clinical testing. Allele origin: germline.
Comment: NM_000059.4(BRCA2):c.5096A>G (p.Asp1699Gly) is a missense variant that results in the substitution of aspartic acid with glycine. This variant is rare in population databases. The currently available literature and clinical evidence are not sufficient to establish a definitive association between this variant and the reported condition. Therefore, this variant is classified as a variant of uncertain significance.

Women's Health and Genetics/Laboratory Corporation of America, LabCorp
Classification: Uncertain significance. Last evaluated: 2026-03-06. Review status: criteria provided, single submitter. Criteria: LabCorp Variant Classification Summary - May 2015. Collection method: clinical testing. Allele origin: germline.
Comment: Variant summary: BRCA2 c.5096A>G (p.Asp1699Gly) results in a non-conservative amino acid change located in the BRCA2 repeat region (IPR002093) of the encoded protein sequence. Algorithms developed to predict the effect of missense changes on protein structure and function are either unavailable or do not agree on the potential impact of this missense change. The variant allele was found at a frequency of 2.2e-05 in 228402 control chromosomes. The available data on variant occurrences in the general population are insufficient to allow any conclusion about variant significance. c.5096A>G has been observed in individual(s) affected with breast cancer (e.g. Serio_2024, Rummel_2013, Fernandes_2016, Palmero_2015, Dutil_2019, Urbina-Jara_2021) and in a patient with glioblastoma multiforme (Lu_2015). These report(s) do not provide unequivocal conclusions about association of the variant with Hereditary Breast And Ovarian Cancer Syndrome. To our knowledge, no experimental evidence demonstrating an impact on protein function has been reported. The following publications have been ascertained in the context of this evaluation (PMID: 31780696, 27741520, 19912264, 26689913, 27223485, 23192404, 39208653, 34884835). ClinVar contains an entry for this variant (Variation ID: 51765). Based on the evidence outlined above, the variant was classified as uncertain significance.

Labcorp Genetics (formerly Invitae), Labcorp
Classification: Uncertain significance for Hereditary breast ovarian cancer syndrome. Last evaluated: 2026-01-26. Review status: criteria provided, single submitter. Criteria: Invitae Variant Classification Sherloc (09022015). Collection method: clinical testing. Allele origin: germline.
Comment: This sequence change replaces aspartic acid, which is acidic and polar, with glycine, which is neutral and non-polar, at codon 1699 of the BRCA2 protein (p.Asp1699Gly). This variant is present in population databases (rs80358732, gnomAD 0.004%). This missense change has been observed in individual(s) with personal and/or family history of breast and ovarian cancer (PMID: 23192404, 27223485, 31780696). ClinVar contains an entry for this variant (Variation ID: 51765). Invitae Evidence Modeling of protein sequence and biophysical properties (such as structural, functional, and spatial information, amino acid conservation, physicochemical variation, residue mobility, and thermodynamic stability) indicates that this missense variant is not expected to disrupt BRCA2 protein function with a negative predictive value of 95%. In summary, the available evidence is currently insufficient to determine the role of this variant in disease. Therefore, it has been classified as a Variant of Uncertain Significance.

Quest Diagnostics Nichols Institute San Juan Capistrano
Classification: Uncertain significance. Last evaluated: 2025-09-23. Review status: criteria provided, single submitter. Criteria: Quest Diagnostics criteria. Collection method: clinical testing. Allele origin: unknown.
Comment: The BRCA2 c.5096A>G (p.Asp1699Gly) variant has been reported in the published literature in individuals with breast cancer (PMIDs: 35264596 (2022), 34884835 (2021), 31780696 (2019), 27741520 (2016), 23192404 (2013)), glioblastoma multiforme (PMID: 26689913 (2015)), or a family history of breast/ovarian cancer (PMID: 27223485 (2016)). This variant has also been identified in individuals undergoing multigene panel testing who had a personal and/or family history of breast cancer (PMID: 35980532 (2022), 36329109 (2022), 36881271 (2023), 36977404 (2023)). In addition, this variant is reported to be located in a region of the BRCA2 gene that is tolerant to missense sequence changes (PMID: 31911673 (2020)). The frequency of this variant in the general population (Genome Aggregation Database) is uninformative in the assessment of its pathogenicity. Analysis of this variant using bioinformatics tools for the prediction of the effect of amino acid changes on protein structure and function yielded predictions that this variant is benign. Based on the available information, we are unable to determine the clinical significance of this variant.

Ambry Genetics
Classification: Likely benign for Hereditary cancer-predisposing syndrome. Last evaluated: 2025-06-17. Review status: criteria provided, single submitter. Criteria: Ambry Variant Classification Scheme 2023. Collection method: clinical testing. Allele origin: germline.

GeneDx
Classification: Uncertain significance. Last evaluated: 2025-03-18. Review status: criteria provided, single submitter. Criteria: GeneDx Variant Classification Process June 2021. Collection method: clinical testing. Allele origin: germline. Affected: yes.
Comment: Observed in individuals with a personal and/or family history of breast and/or ovarian cancer (PMID: 23192404, 27741520, 27223485, 31780696, 35264596, 36329109, 35980532, 36881271); Not observed at significant frequency in large population cohorts (gnomAD); In silico analysis supports that this missense variant has a deleterious effect on protein structure/function; Also known as 5324A>G; This variant is associated with the following publications: (PMID: 10923033, 19912264, 23192404, 27741520, 27223485, 26689913, 31780696, 34884835, 36329109, 32377563, 29884841, 36977404, Villela2022[preprint], 35264596, 35980532, 36881271)

All of Us Research Program, National Institutes of Health
Classification: Uncertain significance for BRCA2-related cancer predisposition. Last evaluated: 2024-09-11. Review status: criteria provided, single submitter. Criteria: ACMG Guidelines, 2015. Collection method: clinical testing. Allele origin: germline. Inheritance: Autosomal dominant inheritance. Observed: 7 variant alleles, 7 heterozygotes.
Comment: This missense variant replaces aspartic acid with glycine at codon 1699 of the BRCA2 protein. Computational prediction suggests that this variant may not impact protein structure and function (internally defined REVEL score threshold <= 0.5, PMID: 27666373). To our knowledge, functional studies have not been reported for this variant. This variant has been reported in four individuals affected with breast cancer (PMID: 23192404, 27741520, 31780696; Leiden Open Variation Database DB-ID BRCA2_005779), and individuals with a personal or family history of BRCA2-related cancer (PMID: 36329109, 36977404). However, this variant is also located in a BRCA2 region without other clinically significant missense variants (PMID: 31911673). This variant has been identified in 5/228402 chromosomes in the general population by the Genome Aggregation Database (gnomAD). The available evidence is insufficient to determine the role of this variant in disease conclusively. Therefore, this variant is classified as a Variant of Uncertain Significance.

This study involves interpretation of variants in research participants for the purpose of population health screening. Participant phenotype was not available at the time of variant classification. Additional details can be found in publication PMID: 35346344, PMCID: PMC8962531

NM_000059.4(BRCA2):c.5096A>G (p.Asp1699Gly)

Gene: BRCA2 (BRCA2 DNA repair associated; plus strand). Cytogenetic location: 13q13.1.
Variant type: single nucleotide variant.
Coding change: c.5096A>G on transcript NM_000059.4 (MANE Select); coding-DNA position 5096, A replaced by G.
Protein change: p.Asp1699Gly; replaces aspartic acid 1699 with glycine.
Molecular consequence: missense variant.
Genome position (GRCh38, 1-based): chr13:32,339,451, A>G. VCF-style: chr13-32339451-A-G. GRCh37 (hg19) VCF-style: chr13-32913588-A-G.
Other names: short protein forms D1699G.
Identifiers: ClinVar variation 51765 (VCV000051765.77), dbSNP rs80358732, ClinGen allele CA021240.